The following is an entry in ClinVar:

ClinVar aggregate classification (germline): Pathogenic. Review status: criteria provided, multiple submitters, no conflicts (2 of 4 stars). 3 submissions from 3 submitters: Pathogenic (3). Last evaluated 2021-11-07.

Conditions:
Tuberous sclerosis 2 (TSC2). Identifiers: Orphanet 805, MedGen C1860707, MONDO:0013199, OMIM 613254.

Submissions (3):

Genome-Nilou Lab
Classification: Pathogenic for Tuberous sclerosis 2. Last evaluated: 2021-11-07. Review status: criteria provided, single submitter. Criteria: ACMG Guidelines, 2015. Collection method: clinical testing. Allele origin: germline. Affected: no.

Athena Diagnostics
Classification: Pathogenic. Last evaluated: 2019-06-28. Review status: criteria provided, single submitter. Criteria: Athena Diagnostics Criteria. Collection method: clinical testing. Allele origin: germline.
Comment: The variant results in a shift of the reading frame, and is therefore predicted to result in the loss of a functional protein. Found in at least one symptomatic patient, and not found in general population data.

GeneDx
Classification: Pathogenic. Last evaluated: 2018-03-13. Review status: criteria provided, single submitter. Criteria: GeneDx Variant Classification (06012015). Collection method: clinical testing. Allele origin: germline. Affected: yes.
Comment: The c.5289delC variant has not been published as a pathogenic variant, nor has it been reported as a benign variant to our knowledge. This variant causes a frameshift starting with codon Serine 1764, changes this amino acid to an Alanine residue and creates a premature Stop codon at position 62 of the new reading frame, denoted p.Ser1764AlafsX62. This variant is predicted to cause a proteinextension as the last 44 amino acids are replaced with 61 incorrect amino acids. Additionally, other frameshift variants downstream of this position have been reported in the TSC2 gene in association with tuberous sclerosis complex (Stenson et al., 2014). Furthermore, the c.5289delC variant is not observed in largepopulation cohorts (Lek et al., 2016). Therefore, the c.5289delCvariant is interpreted to be a pathogenic variant.

NM_000548.5(TSC2):c.5289del (p.Ser1764fs)

Gene: TSC2 (TSC complex subunit 2; plus strand). Cytogenetic location: 16p13.3.
Variant type: Deletion.
Coding change: c.5289del on transcript NM_000548.5 (MANE Select); coding-DNA position 5289, one base deleted (C; older notation c.5289delC).
Protein change: p.Ser1764fs; shifts the reading frame from serine 1764.
Molecular consequence: frameshift variant.
Genome position (GRCh38, 1-based): chr16:2,088,475, C deleted; the last of 4 consecutive C bases (chr16:2,088,472-2,088,475); deleting any one gives the same sequence. VCF-style (leftmost placement, unchanged base first): chr16-2088471-AC-A. GRCh37 (hg19) VCF-style: chr16-2138472-AC-A.
Other names: c.5289del (NM_000548.3); c.5088del, p.Ser1697fs (NM_001077183.3); c.5220del, p.Ser1741fs (NM_001114382.3); c.4980del, p.Ser1661fs (NM_001318827.2); c.4944del, p.Ser1649fs (NM_001318829.2); c.4557del, p.Ser1520fs (NM_001318831.2); c.5121del, p.Ser1708fs (NM_001318832.2); c.5091del, p.Ser1698fs (NM_001363528.2); and 3 more; short protein forms S1720fs, S1649fs, S1520fs, S1661fs, S1698fs, S1708fs, S1697fs, S1717fs.
Identifiers: ClinVar variation 523958 (VCV000523958.5), dbSNP rs1555441221, ClinGen allele CA658798503.